The following is an entry in ClinVar:

ClinVar aggregate classification (germline): Uncertain significance (1 of 4 stars; one submission).

Submission:

Ambry Genetics
Classification: Uncertain significance. Last evaluated: 2024-11-28. Review status: criteria provided, single submitter. Criteria: Ambry Variant Classification Scheme 2023. Collection method: clinical testing. Allele origin: germline.
Comment: The p.P535H variant (also known as c.1604C>A), located in coding exon 12 of the RECQL gene, results from a C to A substitution at nucleotide position 1604. The proline at codon 535 is replaced by histidine, an amino acid with similar properties. This amino acid position is conserved. In addition, the in silico prediction for this alteration is inconclusive. Since supporting evidence is limited at this time, the clinical significance of this alteration remains unclear.

NM_002907.4(RECQL):c.1604C>A (p.Pro535His)

Gene: RECQL (RecQ like helicase; minus strand). Cytogenetic location: 12p12.1.
Variant type: single nucleotide variant.
Coding change: c.1604C>A on transcript NM_002907.4 (MANE Select); coding-DNA position 1604, C replaced by A.
Protein change: p.Pro535His; replaces proline 535 with histidine.
Molecular consequence: missense variant.
Genome position (GRCh38, 1-based): chr12:21,471,491, G>T on the plus strand (C>A on the coding strand, the complement: RECQL is on the minus strand). VCF-style: chr12-21471491-G-T. GRCh37 (hg19) VCF-style: chr12-21624425-G-T.
Other names: c.1604C>A, p.Pro535His (NM_032941.3); short protein forms P535H.
Identifiers: ClinVar variation 1776235 (VCV001776235.3), dbSNP rs144775194, ClinGen allele CA384116058.